The following is an entry in ClinVar:

NM_013436.5(NCKAP1):c.2698G>A (p.Val900Ile)

Gene: NCKAP1 (NCK associated protein 1; minus strand). Cytogenetic location: 2q32.1.
Variant type: single nucleotide variant.
Coding change: c.2698G>A on transcript NM_013436.5 (MANE Select); coding-DNA position 2698, G replaced by A.
Protein change: p.Val900Ile; replaces valine 900 with isoleucine.
Molecular consequence: missense variant.
Genome position (GRCh38, 1-based): chr2:182,935,373, C>T on the plus strand (G>A on the coding strand, the complement: NCKAP1 is on the minus strand). VCF-style: chr2-182935373-C-T. GRCh37 (hg19) VCF-style: chr2-183800101-C-T.
Other names: c.2716G>A, p.Val906Ile (NM_205842.3); short protein forms V900I, V906I.
Identifiers: ClinVar variation 1699805 (VCV001699805.2), dbSNP rs2105804821, ClinGen allele CA349756192.

ClinVar aggregate classification (germline): Uncertain significance (1 of 4 stars; one submission).

Submission:

GeneDx
Classification: Uncertain significance. Last evaluated: 2022-01-26. Review status: criteria provided, single submitter. Criteria: GeneDx Variant Classification Process June 2021. Collection method: clinical testing. Allele origin: germline. Affected: yes.
Comment: Not observed at significant frequency in large population cohorts (gnomAD); In silico analysis supports that this missense variant does not alter protein structure/function; Has not been previously published as pathogenic or benign to our knowledge